The following is an entry in ClinVar:

NM_004304.5(ALK):c.344C>T (p.Pro115Leu)

Gene: ALK (ALK receptor tyrosine kinase; minus strand). Cytogenetic location: 2p23.1.
Variant type: single nucleotide variant.
Coding change: c.344C>T on transcript NM_004304.5 (MANE Select); coding-DNA position 344, C replaced by T.
Protein change: p.Pro115Leu; replaces proline 115 with leucine.
Molecular consequence: missense variant.
Genome position (GRCh38, 1-based): chr2:29,920,316, G>A on the plus strand (C>T on the coding strand, the complement: ALK is on the minus strand). VCF-style: chr2-29920316-G-A. GRCh37 (hg19) VCF-style: chr2-30143182-G-A.
Other names: short protein forms P115L.
Identifiers: ClinVar variation 659392 (VCV000659392.13), dbSNP rs1222939884, ClinGen allele CA346590221.

ClinVar aggregate classification (germline): Uncertain significance. Review status: criteria provided, multiple submitters, no conflicts (2 of 4 stars). 3 submissions from 3 submitters: Uncertain significance (3). Last evaluated 2025-01-26.

Conditions:
Neuroblastoma, susceptibility to, 3. Also called: ALK-Related Neuroblastic Tumor Susceptibility. Identifiers: Orphanet 635, MedGen C2751681, MONDO:0013083, OMIM 613014.
Hereditary cancer-predisposing syndrome. Also called: Neoplastic Syndromes, Hereditary; Hereditary neoplastic syndrome; Hereditary Cancer Syndrome; Tumor predisposition. Identifiers: Orphanet 140162, MedGen C0027672, MeSH D009386, MONDO:0015356.

Allele frequency attached by ClinVar (database versions not stated): gnomAD 0.00001; gnomAD exomes 0.00001 and 0.00002.
gnomAD v4.1: 9 of 1,556,988 alleles (0.00058%); highest among the groups gnomAD compares: South Asian, 0.0023%; no homozygotes.

Submissions (3):

Labcorp Genetics (formerly Invitae), Labcorp
Classification: Uncertain significance for Neuroblastoma, susceptibility to, 3. Last evaluated: 2025-01-26. Review status: criteria provided, single submitter. Criteria: Invitae Variant Classification Sherloc (09022015). Collection method: clinical testing. Allele origin: germline.
Comment: This sequence change replaces proline, which is neutral and non-polar, with leucine, which is neutral and non-polar, at codon 115 of the ALK protein (p.Pro115Leu). This variant is present in population databases (no rsID available, gnomAD 0.004%). This variant has not been reported in the literature in individuals affected with ALK-related conditions. ClinVar contains an entry for this variant (Variation ID: 659392). An algorithm developed to predict the effect of missense changes on protein structure and function (PolyPhen-2) suggests that this variant is likely to be tolerated. In summary, the available evidence is currently insufficient to determine the role of this variant in disease. Therefore, it has been classified as a Variant of Uncertain Significance.

Ambry Genetics
Classification: Uncertain significance for Hereditary cancer-predisposing syndrome. Last evaluated: 2024-07-27. Review status: criteria provided, single submitter. Criteria: Ambry Variant Classification Scheme 2023. Collection method: clinical testing. Allele origin: germline.
Comment: The p.P115L variant (also known as c.344C>T), located in coding exon 1 of the ALK gene, results from a C to T substitution at nucleotide position 344. The proline at codon 115 is replaced by leucine, an amino acid with similar properties. This amino acid position is conserved. In addition, this alteration is predicted to be tolerated by in silico analysis. Since supporting evidence is limited at this time, the clinical significance of this alteration remains unclear.

Baylor Genetics
Classification: Uncertain significance for Neuroblastoma, susceptibility to, 3. Last evaluated: 2023-09-25. Review status: criteria provided, single submitter. Criteria: ACMG Guidelines, 2015. Collection method: clinical testing. Allele origin: unknown.